The following is an entry in ClinVar:

ClinVar aggregate classification (germline): Uncertain significance (1 of 4 stars; one submission).

Submission:

Ambry Genetics
Classification: Uncertain significance. Last evaluated: 2025-08-14. Review status: criteria provided, single submitter. Criteria: Ambry Variant Classification Scheme 2023. Collection method: clinical testing. Allele origin: germline.
Comment: The p.V692G variant (also known as c.2075T>G), located in coding exon 12 of the ATRIP gene, results from a T to G substitution at nucleotide position 2075. The valine at codon 692 is replaced by glycine, an amino acid with dissimilar properties. This amino acid position is conserved. In addition, this alteration is predicted to be deleterious by in silico analysis. Based on the available evidence, the clinical significance of this variant remains unclear.

NM_130384.3(ATRIP):c.2075T>G (p.Val692Gly)

Genes: ATRIP (ATR interacting protein; plus strand), ATRIP-TREX1 (ATRIP-TREX1 readthrough; plus strand). Cytogenetic location: 3p21.31.
Variant type: single nucleotide variant.
Coding change: c.2075T>G on transcript NM_130384.3 (MANE Select); coding-DNA position 2075, T replaced by G.
Protein change: p.Val692Gly; replaces valine 692 with glycine.
Molecular consequence: missense variant. On other transcripts: non-coding transcript variant (1).
Genome position (GRCh38, 1-based): chr3:48,464,850, T>G. VCF-style: chr3-48464850-T-G. GRCh37 (hg19) VCF-style: chr3-48506249-T-G.
Other names: c.1694T>G, p.Val565Gly (NM_001271022.2); c.1796T>G, p.Val599Gly (NM_001271023.2); c.1994T>G, p.Val665Gly (NM_032166.4); short protein forms V565G, V599G, V665G, V692G.
Identifiers: ClinVar variation 4182494 (VCV004182494.1).